The following is an entry in ClinVar:

ClinVar aggregate classification (germline): Likely benign (1 of 4 stars; one submission).

Allele frequency attached by ClinVar (database versions not stated): 1000 Genomes Project 30x 0.00187; 1000 Genomes Project 0.00220; TOPMed 0.00524; gnomAD 0.00561; ExAC 0.00619; ESP Exome Variant Server 0.00639; gnomAD exomes 0.00857.
gnomAD v4.1: 13,049 of 1,591,334 alleles (0.82%); highest among the groups gnomAD compares: Non-Finnish European, 1%; 69 homozygotes.

Submission:

CeGaT Center for Human Genetics Tuebingen
Classification: Likely benign. Last evaluated: 2026-06-01. Review status: criteria provided, single submitter. Criteria: CeGaT Center For Human Genetics Tuebingen Variant Classification Criteria Version 2. Collection method: clinical testing. Allele origin: germline. Affected: yes. Observed: 2 variant alleles.
Comment: APOBEC1: BS2

NM_001644.5(APOBEC1):c.62G>A (p.Trp21Ter)

Gene: APOBEC1 (apolipoprotein B mRNA editing enzyme catalytic subunit 1; minus strand). Cytogenetic location: 12p13.31.
Variant type: single nucleotide variant.
Coding change: c.62G>A on transcript NM_001644.5 (MANE Select); coding-DNA position 62, G replaced by A.
Protein change: p.Trp21Ter; replaces tryptophan 21 with a stop codon.
Molecular consequence: nonsense. On other transcripts: 5 prime UTR variant (1).
Genome position (GRCh38, 1-based): chr12:7,652,818, C>T on the plus strand (G>A on the coding strand, the complement: APOBEC1 is on the minus strand). VCF-style: chr12-7652818-C-T. GRCh37 (hg19) VCF-style: chr12-7805414-C-T.
Other names: c.62G>A, p.Trp21Ter (NM_001304566.1); c.-74G>A (NM_005889.4); short protein forms W21*.
Identifiers: ClinVar variation 2642680 (VCV002642680.24), dbSNP rs34275479, ClinGen allele CA6429058.